The following is an entry in ClinVar:

ClinVar aggregate classification (germline): Likely benign (1 of 4 stars; one submission).

gnomAD v4.1: 182 of 1,610,098 alleles (0.011%); highest among the groups gnomAD compares: Non-Finnish European, 0.014%; no homozygotes.

Submission:

Mayo Clinic Laboratories, Mayo Clinic
Classification: Likely benign. Last evaluated: 2025-09-04. Review status: criteria provided, single submitter. Criteria: ACMG Guidelines, 2015. Collection method: clinical testing. Allele origin: germline. Observed: 2 variant alleles.
Comment: BS1, BP4, BP7

NM_001009944.3(PKD1):c.7521G>A (p.Pro2507=)

Gene: PKD1 (polycystin 1, transient receptor potential channel interacting; minus strand). Cytogenetic location: 16p13.3.
Variant type: single nucleotide variant.
Coding change: c.7521G>A on transcript NM_001009944.3 (MANE Select); coding-DNA position 7521, G replaced by A.
Protein change: p.Pro2507=; no amino-acid change (proline 2507 retained).
Molecular consequence: synonymous variant.
Genome position (GRCh38, 1-based): chr16:2,106,273, C>T on the plus strand (G>A on the coding strand, the complement: PKD1 is on the minus strand). VCF-style: chr16-2106273-C-T. GRCh37 (hg19) VCF-style: chr16-2156274-C-T.
Other names: p.Pro2507=; c.7521G>A, p.Pro2507= (NM_000296.4).
Identifiers: ClinVar variation 4684049 (VCV004684049.1).